The following is an entry in ClinVar:

NM_017654.4(SAMD9):c.647G>A (p.Ser216Asn)

Gene: SAMD9 (sterile alpha motif domain containing 9; minus strand). Cytogenetic location: 7q21.2.
Variant type: single nucleotide variant.
Coding change: c.647G>A on transcript NM_017654.4 (MANE Select); coding-DNA position 647, G replaced by A.
Protein change: p.Ser216Asn; replaces serine 216 with asparagine.
Molecular consequence: missense variant.
Genome position (GRCh38, 1-based): chr7:93,105,451, C>T on the plus strand (G>A on the coding strand, the complement: SAMD9 is on the minus strand). VCF-style: chr7-93105451-C-T. GRCh37 (hg19) VCF-style: chr7-92734764-C-T.
Other names: c.647G>A, p.Ser216Asn (NM_001193307.2); short protein forms S216N.
Identifiers: ClinVar variation 1522831 (VCV001522831.8), dbSNP rs2116422120, ClinGen allele CA368204321.

ClinVar aggregate classification (germline): Uncertain significance (1 of 4 stars; one submission).

Allele frequency attached by ClinVar (database versions not stated): gnomAD exomes below 0.00001.
gnomAD v4.1: 7 of 1,614,046 alleles (0.00043%); highest among the groups gnomAD compares: Non-Finnish European, 0.00059%; no homozygotes.

Submission:

Labcorp Genetics (formerly Invitae), Labcorp
Classification: Uncertain significance. Last evaluated: 2022-11-28. Review status: criteria provided, single submitter. Criteria: Invitae Variant Classification Sherloc (09022015). Collection method: clinical testing. Allele origin: germline.
Comment: This sequence change replaces serine, which is neutral and polar, with asparagine, which is neutral and polar, at codon 216 of the SAMD9 protein (p.Ser216Asn). This variant is not present in population databases (gnomAD no frequency). This variant has not been reported in the literature in individuals affected with SAMD9-related conditions. ClinVar contains an entry for this variant (Variation ID: 1522831). Advanced modeling of protein sequence and biophysical properties (such as structural, functional, and spatial information, amino acid conservation, physicochemical variation, residue mobility, and thermodynamic stability) has been performed at Invitae for this missense variant, however the output from this modeling did not meet the statistical confidence thresholds required to predict the impact of this variant on SAMD9 protein function. In summary, the available evidence is currently insufficient to determine the role of this variant in disease. Therefore, it has been classified as a Variant of Uncertain Significance.